The following is an entry in ClinVar:

NM_001374736.1(DST):c.13465C>T (p.Leu4489Phe)

Gene: DST (dystonin; minus strand). Cytogenetic location: 6p12.1.
Variant type: single nucleotide variant.
Coding change: c.13465C>T on transcript NM_001374736.1 (MANE Select); coding-DNA position 13465, C replaced by T.
Protein change: p.Leu4489Phe; replaces leucine 4489 with phenylalanine.
Molecular consequence: missense variant.
Genome position (GRCh38, 1-based): chr6:56,572,836, G>A on the plus strand (C>T on the coding strand, the complement: DST is on the minus strand). VCF-style: chr6-56572836-G-A. GRCh37 (hg19) VCF-style: chr6-56437634-G-A.
Other names: c.7108C>T, p.Leu2370Phe (NM_001144769.5); c.6694C>T, p.Leu2232Phe (NM_001144770.2); c.13465C>T, p.Leu4489Phe (NM_001374722.1); c.12832C>T, p.Leu4278Phe (NM_001374729.1); c.6574C>T, p.Leu2192Phe (NM_001374730.1, NM_001386100.1, NM_183380.4); c.13492C>T, p.Leu4498Phe (NM_001374734.1); c.5596C>T, p.Leu1866Phe (NM_015548.5); short protein forms L4278F, L4489F, L1866F, L2232F, L2370F, L2192F, L4498F.
Identifiers: ClinVar variation 2057613 (VCV002057613.1), dbSNP rs2535757154, ClinGen allele CA364527133.
Genomic context (GRCh38, chr6:56,572,836, plus strand): 5'-CTTTTCCTGGCACATCTACTTCAGTAAGAGCCTGAGTTTTTGTTTCTAAAAATGTCTGGA[G>A]CTTTTCTGAGAGGTTCTCAAACAGTTCTACTTTGGTTTTTAGCTCCTCCATTTTGGCAAG-3'
Protein context (NP_001361665.1, residues 4479-4499): VELFENLSEK[Leu4489Phe]QTFLETKTQA

ClinVar aggregate classification (germline): Uncertain significance (1 of 4 stars; one submission).

Conditions:
Hereditary sensory and autonomic neuropathy type 6. Also called: Neuropathy, hereditary sensory and autonomic, type VI; HSAN VI. Identifiers: Orphanet 314381, MedGen C3539003, MONDO:0013839, OMIM 614653.
Epidermolysis bullosa simplex 3, localized or generalized intermediate, with BP230 deficiency (EBS3). Also called: Epidermolysis bullosa simplex, autosomal recessive 2; Epidermolysis bullosa simplex due to BP230 deficiency. Identifiers: Orphanet 412181, MedGen C3809470, MONDO:0014180, OMIM 615425.

Submission:

Labcorp Genetics (formerly Invitae), Labcorp
Classification: Uncertain significance for Epidermolysis bullosa simplex 3, localized or generalized intermediate, with BP230 deficiency; Hereditary sensory and autonomic neuropathy type 6. Last evaluated: 2021-12-02. Review status: criteria provided, single submitter. Criteria: Invitae Variant Classification Sherloc (09022015). Collection method: clinical testing. Allele origin: germline.
Comment: The DST gene has multiple clinically relevant transcripts. This variant occurs in alternate transcript NM_015548.4, and corresponds to NM_001723.5:c.*42681C>T in the primary transcript. This sequence change replaces leucine, which is neutral and non-polar, with phenylalanine, which is neutral and non-polar, at codon 1866 of the DST protein (p.Leu1866Phe). This variant is not present in population databases (gnomAD no frequency). This variant has not been reported in the literature in individuals affected with DST-related conditions. Experimental studies and prediction algorithms are not available or were not evaluated, and the functional significance of this variant is currently unknown. In summary, the available evidence is currently insufficient to determine the role of this variant in disease. Therefore, it has been classified as a Variant of Uncertain Significance.